The following is an entry in ClinVar:

ClinVar aggregate classification (germline): Uncertain significance (1 of 4 stars; one submission).

Conditions:
Warts, hypogammaglobulinemia, infections, and myelokathexis. Also called: WHIM syndrome. Identifiers: MedGen C0472817, MONDO:0023880.

Allele frequency attached by ClinVar (database versions not stated): TOPMed below 0.00001; gnomAD 0.00001; gnomAD exomes 0.00002; ExAC 0.00003.
gnomAD v4.1: 11 of 1,613,912 alleles (0.00068%); highest among the groups gnomAD compares: Admixed American, 0.018%; no homozygotes.

Submission:

Labcorp Genetics (formerly Invitae), Labcorp
Classification: Uncertain significance for Warts, hypogammaglobulinemia, infections, and myelokathexis. Last evaluated: 2025-11-05. Review status: criteria provided, single submitter. Criteria: Invitae Variant Classification Sherloc (09022015). Collection method: clinical testing. Allele origin: germline.
Comment: This sequence change replaces arginine, which is basic and polar, with glycine, which is neutral and non-polar, at codon 322 of the CXCR4 protein (p.Arg322Gly). This variant is present in population databases (rs745632311, gnomAD 0.03%). This variant has not been reported in the literature in individuals affected with CXCR4-related conditions. ClinVar contains an entry for this variant (Variation ID: 1900253). An algorithm developed to predict the effect of missense changes on protein structure and function (PolyPhen-2) suggests that this variant is likely to be disruptive. In summary, the available evidence is currently insufficient to determine the role of this variant in disease. Therefore, it has been classified as a Variant of Uncertain Significance.

NM_003467.3(CXCR4):c.964A>G (p.Arg322Gly)

Gene: CXCR4 (C-X-C motif chemokine receptor 4; minus strand). Cytogenetic location: 2q22.1.
Variant type: single nucleotide variant.
Coding change: c.964A>G on transcript NM_003467.3 (MANE Select); coding-DNA position 964, A replaced by G.
Protein change: p.Arg322Gly; replaces arginine 322 with glycine.
Molecular consequence: missense variant.
Genome position (GRCh38, 1-based): chr2:136,114,964, T>C on the plus strand (A>G on the coding strand, the complement: CXCR4 is on the minus strand). VCF-style: chr2-136114964-T-C. GRCh37 (hg19) VCF-style: chr2-136872534-T-C.
Other names: c.976A>G, p.Arg326Gly (NM_001008540.2); c.1177A>G, p.Arg393Gly (NM_001348056.2); c.1063A>G, p.Arg355Gly (NM_001348059.2); c.919A>G, p.Arg307Gly (NM_001348060.2); short protein forms R322G, R307G, R326G, R393G, R355G.
Identifiers: ClinVar variation 1900253 (VCV001900253.5), dbSNP rs745632311, ClinGen allele CA1890059.